The following is an entry in ClinVar:

NM_001349798.2(FBXW7):c.584+3A>T

Gene: FBXW7 (F-box and WD repeat domain containing 7; minus strand). Cytogenetic location: 4q31.3.
Variant type: single nucleotide variant.
Coding change: c.584+3A>T on transcript NM_001349798.2 (MANE Select); 3 bases into the intron after coding-DNA position 584, A replaced by T.
Molecular consequence: intron variant.
Genome position (GRCh38, 1-based): chr4:152,350,039, T>A on the plus strand (A>T on the coding strand, the complement: FBXW7 is on the minus strand). VCF-style: chr4-152350039-T-A. GRCh37 (hg19) VCF-style: chr4-153271191-T-A.
Other names: c.230+3A>T (NM_001013415.2); c.344+3A>T (NM_018315.5); c.584+3A>T (NM_033632.3).
Identifiers: ClinVar variation 4530532 (VCV004530532.1).

ClinVar aggregate classification (somatic clinical impact): Tier II - Potential (1 of 4 stars; one submission).

Conditions:
Medulloblastoma WNT activated. Identifiers: MedGen C4331965, MONDO:0850196.

Submission:

Institute for Genomic Medicine (IGM) Clinical Laboratory, Nationwide Children's Hospital
Classification: Tier II - Potential for Medulloblastoma WNT activated. Assertion type: diagnostic. Clinical significance: supports diagnosis. Last evaluated: 2022-11-15. Review status: criteria provided, single submitter. Criteria: AMP/ASCO/CAP Guidelines, 2017. Collection method: clinical testing. Allele origin: somatic. Affected: yes.
Comment: Variant has Tier II (potential) clinical significance as a diagnostic inclusion criterion in medulloblastoma WNT activated, based on the following evidence: 1) Documented in one or more cancer databases (e.g., St. Jude Pecan, COSMIC, CIViC, OncoKB). 2) Diagnostic significance based on multiple small studies (Evidence Level C; PMIDs: 28726821, 33502920).

Literature cited by the submitters: PubMed 28726821; PubMed 33502920.